The following is an entry in ClinVar:

ClinVar aggregate classification (germline): Uncertain significance. Review status: criteria provided, multiple submitters, no conflicts (2 of 4 stars). 2 submissions from 2 submitters: Uncertain significance (2). Last evaluated 2025-08-25.

gnomAD v4.1: 32 of 1,613,956 alleles (0.002%); highest among the groups gnomAD compares: African/African-American, 0.036%; no homozygotes.

Submissions (2):

Labcorp Genetics (formerly Invitae), Labcorp
Classification: Uncertain significance. Last evaluated: 2025-08-25. Review status: criteria provided, single submitter. Criteria: Invitae Variant Classification Sherloc (09022015). Collection method: clinical testing. Allele origin: germline.
Comment: This sequence change replaces glycine, which is neutral and non-polar, with arginine, which is basic and polar, at codon 511 of the NYNRIN protein (p.Gly511Arg). This variant is present in population databases (rs369906228, gnomAD 0.02%). This variant has not been reported in the literature in individuals affected with NYNRIN-related conditions. ClinVar contains an entry for this variant (Variation ID: 3301771). Experimental studies and prediction algorithms are not available or were not evaluated, and the functional significance of this variant is currently unknown. In summary, the available evidence is currently insufficient to determine the role of this variant in disease. Therefore, it has been classified as a Variant of Uncertain Significance.

Ambry Genetics
Classification: Uncertain significance. Last evaluated: 2024-06-13. Review status: criteria provided, single submitter. Criteria: Ambry Variant Classification Scheme 2023. Collection method: clinical testing. Allele origin: germline.

NM_025081.3(NYNRIN):c.1531G>A (p.Gly511Arg)

Gene: NYNRIN (NYN domain and retroviral integrase containing; plus strand). Cytogenetic location: 14q12.
Variant type: single nucleotide variant.
Coding change: c.1531G>A on transcript NM_025081.3 (MANE Select); coding-DNA position 1531, G replaced by A.
Protein change: p.Gly511Arg; replaces glycine 511 with arginine.
Molecular consequence: missense variant.
Genome position (GRCh38, 1-based): chr14:24,409,325, G>A. VCF-style: chr14-24409325-G-A. GRCh37 (hg19) VCF-style: chr14-24878531-G-A.
Other names: short protein forms G511R.
Identifiers: ClinVar variation 3301771 (VCV003301771.3).
Genomic context (GRCh38, chr14:24,409,325, plus strand): 5'-GCTGGAGGTGAGCCGGGGGATCAAGGGAGTATGCAGTTAGATTTTAAGGGACTGGAAGAG[G>A]GACCCGCTCCAGTGCTGCCAACAGGGCAAGGGAAGCCCGTGGCTCAAGGGGGGCTGACAG-3'
Protein context (NP_079357.2, residues 501-521): MQLDFKGLEE[Gly511Arg]PAPVLPTGQG